The following is an entry in ClinVar:

ClinVar aggregate classification (germline): Benign/Likely benign. Review status: criteria provided, multiple submitters, no conflicts (2 of 4 stars). 3 submissions from 3 submitters: Benign (1); Likely benign (2). Last evaluated 2025-02-19.

Conditions:
Hereditary cancer-predisposing syndrome. Also called: Hereditary Cancer Syndrome; Hereditary neoplastic syndrome; Neoplastic Syndromes, Hereditary; Tumor predisposition. Identifiers: Orphanet 140162, MedGen C0027672, MeSH D009386, MONDO:0015356.
Fanconi anemia complementation group O. Also called: RAD51C-Related Fanconi Anemia. Identifiers: Orphanet 84, MedGen C3150653, MONDO:0013248, OMIM 613390.
Breast-ovarian cancer, familial, susceptibility to, 3. Also called: RAD51C-Related Breast/Ovarian Cancer. Identifiers: Orphanet 145, MedGen C3150659, MONDO:0013253, OMIM 613399.

Allele frequency attached by ClinVar (database versions not stated): gnomAD exomes below 0.00001.
gnomAD v4.1: 1 of 1,613,380 alleles (0.000062%); highest among the groups gnomAD compares: Non-Finnish European, 0.000085%; no homozygotes.

Submissions (3):

Myriad Genetics, Inc.
Classification: Benign for Breast-ovarian cancer, familial, susceptibility to, 3. Last evaluated: 2025-02-19. Review status: criteria provided, single submitter. Criteria: Myriad Autosomal Dominant, Autosomal Recessive and X-Linked Classification Criteria (2023). Collection method: clinical testing. Allele origin: unknown.
Comment: This variant is considered benign. This variant is a silent/synonymous amino acid change and it is not expected to impact splicing.

Labcorp Genetics (formerly Invitae), Labcorp
Classification: Likely benign for Fanconi anemia complementation group O. Last evaluated: 2024-03-02. Review status: criteria provided, single submitter. Criteria: Invitae Variant Classification Sherloc (09022015). Collection method: clinical testing. Allele origin: germline.

Color Diagnostics, LLC DBA Color Health
Classification: Likely benign for Hereditary cancer-predisposing syndrome. Last evaluated: 2019-01-02. Review status: criteria provided, single submitter. Criteria: ACMG Guidelines, 2015. Collection method: clinical testing. Allele origin: germline.

NM_058216.3(RAD51C):c.999G>A (p.Lys333=)

Gene: RAD51C (RAD51 paralog C; plus strand). Cytogenetic location: 17q22.
Variant type: single nucleotide variant.
Coding change: c.999G>A on transcript NM_058216.3 (MANE Select); coding-DNA position 999, G replaced by A.
Protein change: p.Lys333=; no amino-acid change (lysine 333 retained).
Molecular consequence: synonymous variant. On other transcripts: non-coding transcript variant (1).
Genome position (GRCh38, 1-based): chr17:58,732,517, G>A. VCF-style: chr17-58732517-G-A. GRCh37 (hg19) VCF-style: chr17-56809878-G-A.
Identifiers: ClinVar variation 924912 (VCV000924912.12), dbSNP rs2049471981, ClinGen allele CA400365021.